The following is an entry in ClinVar:

NM_006206.6(PDGFRA):c.2741G>T (p.Arg914Leu)

Gene: PDGFRA (platelet derived growth factor receptor alpha; plus strand). Cytogenetic location: 4q12.
Variant type: single nucleotide variant.
Coding change: c.2741G>T on transcript NM_006206.6 (MANE Select); coding-DNA position 2741, G replaced by T.
Protein change: p.Arg914Leu; replaces arginine 914 with leucine.
Molecular consequence: missense variant.
Genome position (GRCh38, 1-based): chr4:54,288,865, G>T. VCF-style: chr4-54288865-G-T. GRCh37 (hg19) VCF-style: chr4-55155032-G-T.
Other names: c.2816G>T, p.Arg939Leu (NM_001347828.2); c.2741G>T, p.Arg914Leu (NM_001347829.2); c.2780G>T, p.Arg927Leu (NM_001347830.2); short protein forms R927L, R914L, R939L.
Identifiers: ClinVar variation 2839412 (VCV002839412.3), dbSNP rs1428997941, ClinGen allele CA356895552.

ClinVar aggregate classification (germline): Uncertain significance (1 of 4 stars; one submission).

Conditions:
Gastrointestinal stromal tumor. Also called: Gastrointestinal stromal tumor, somatic; Gastrointestinal stroma tumor. Identifiers: Orphanet 44890, MedGen C0238198, MeSH D046152, MONDO:0011719, OMIM 606764, HP:0100723.

Allele frequency attached by ClinVar (database versions not stated): gnomAD 0.00001.
gnomAD v4.1: 1 of 1,612,744 alleles (0.000062%); highest among the groups gnomAD compares: African/African-American, 0.0013%; no homozygotes.

Submission:

Labcorp Genetics (formerly Invitae), Labcorp
Classification: Uncertain significance for Gastrointestinal stromal tumor. Last evaluated: 2023-02-21. Review status: criteria provided, single submitter. Criteria: Invitae Variant Classification Sherloc (09022015). Collection method: clinical testing. Allele origin: germline.
Comment: This variant is present in population databases (no rsID available, gnomAD 0.004%). In summary, the available evidence is currently insufficient to determine the role of this variant in disease. Therefore, it has been classified as a Variant of Uncertain Significance. Advanced modeling of protein sequence and biophysical properties (such as structural, functional, and spatial information, amino acid conservation, physicochemical variation, residue mobility, and thermodynamic stability) has been performed at Invitae for this missense variant, however the output from this modeling did not meet the statistical confidence thresholds required to predict the impact of this variant on PDGFRA protein function. This variant has not been reported in the literature in individuals affected with PDGFRA-related conditions. This sequence change replaces arginine, which is basic and polar, with leucine, which is neutral and non-polar, at codon 914 of the PDGFRA protein (p.Arg914Leu).